The following is an entry in ClinVar:

ClinVar aggregate classification (germline): Conflicting classifications of pathogenicity. Review status: criteria provided, conflicting classifications (1 of 4 stars). 2 submissions from 2 submitters: Uncertain significance (1); Likely benign (1). Last evaluated 2025-12-07.

Allele frequency attached by ClinVar (database versions not stated): gnomAD exomes 0.00002 and 0.00009; ExAC 0.00004; TOPMed 0.00004; gnomAD 0.00005; ESP Exome Variant Server 0.00015.
gnomAD v4.1: 148 of 1,613,970 alleles (0.0092%); highest among the groups gnomAD compares: Non-Finnish European, 0.011%; 1 homozygote.

Submissions (2):

Labcorp Genetics (formerly Invitae), Labcorp
Classification: Likely benign. Last evaluated: 2025-12-07. Review status: criteria provided, single submitter. Criteria: Invitae Variant Classification Sherloc (09022015). Collection method: clinical testing. Allele origin: germline.

Laboratory for Molecular Medicine, Mass General Brigham Personalized Medicine
Classification: Uncertain significance. Last evaluated: 2017-03-20. Review status: criteria provided, single submitter. Criteria: LMM Criteria. Collection method: clinical testing. Allele origin: germline. Observed: 1 variant allele.
Comment: The c.3865-12G>A variant in OTOF has not been previously reported in individuals with hearing loss, but was identified in 5/66692 European chromosomes by the Ex ome Aggregation Consortium (ExAC; dbSNP rs374902 867). Although this variant has been seen in the general population, its frequen cy is not high enough to rule out a pathogenic role. This variant is located in the 3' splice region. Computational tools do not suggest an impact to splicing. However, this information is not predictive enough to rule out pathogenicity. In summary, the clinical significance of the c.3865-12G>A variant is uncertain.

NM_194248.3(OTOF):c.3865-12G>A

Gene: OTOF (otoferlin; minus strand). Cytogenetic location: 2p23.3.
Variant type: single nucleotide variant.
Coding change: c.3865-12G>A on transcript NM_194248.3 (MANE Select); 12 bases into the intron before coding-DNA position 3865, G replaced by A.
Molecular consequence: intron variant.
Genome position (GRCh38, 1-based): chr2:26,471,162, C>T on the plus strand (G>A on the coding strand, the complement: OTOF is on the minus strand). VCF-style: chr2-26471162-C-T. GRCh37 (hg19) VCF-style: chr2-26694030-C-T.
Other names: c.3865-12G>A (NM_001287489.2); c.1564-12G>A (NM_194323.3, NM_004802.4); c.1795-12G>A (NM_194322.3).
Identifiers: ClinVar variation 504659 (VCV000504659.8), dbSNP rs374902867, ClinGen allele CA1563388.